The following is an entry in ClinVar:

NM_014844.5(TECPR2):c.296del (p.Gly99fs)

Gene: TECPR2 (tectonin beta-propeller repeat containing 2; plus strand). Cytogenetic location: 14q32.31.
Variant type: Deletion.
Coding change: c.296del on transcript NM_014844.5 (MANE Select); coding-DNA position 296, one base deleted (G; older notation c.296delG).
Protein change: p.Gly99fs; shifts the reading frame from glycine 99.
Molecular consequence: frameshift variant.
Genome position (GRCh38, 1-based): chr14:102,407,414, G deleted; the last of 2 consecutive G bases (chr14:102,407,413-102,407,414); deleting either gives the same sequence. VCF-style (leftmost placement, unchanged base first): chr14-102407412-TG-T. GRCh37 (hg19) VCF-style: chr14-102873749-TG-T.
Other names: c.296del, p.Gly99fs (NM_001172631.3); short protein forms G99fs.
Identifiers: ClinVar variation 4815746 (VCV004815746.1).

ClinVar aggregate classification (germline): Likely pathogenic (1 of 4 stars; one submission).

Conditions:
Hereditary spastic paraplegia 49 (HSAN9). Also called: TECPR2-Related Hereditary Sensory and Autonomic Neuropathy with Intellectual Disability; Spastic paraplegia 49, autosomal recessive; NEUROPATHY, HEREDITARY SENSORY AND AUTONOMIC, TYPE IX, WITH DEVELOPMENTAL DELAY. Identifiers: Orphanet 320385, MedGen C5190860, MONDO:0014016, OMIM 615031.

Submission:

Natera, Inc.
Classification: Likely pathogenic for Autosomal recessive spastic paraplegia type 49. Last evaluated: 2024-05-29. Review status: criteria provided, single submitter. Criteria: Natera Variant Classification Schema (03/2026). Collection method: clinical testing. Allele origin: germline.
Comment: The c.296del variant in TECPR2 is a frameshift variant predicted to shift the reading frame beginning at codon 99 and leads to a stop codon 42 codons downstream. This variant is expected to result in nonsense mediated decay, truncation, or a dysfunctional protein product. This variant is rare in the general population with a frequency below the threshold expected for the associated phenotype(s). Given the available evidence, this variant is classified as Likely Pathogenic.